The following is an entry in ClinVar:

NM_005902.4(SMAD3):c.543C>T (p.Pro181=)

Gene: SMAD3 (SMAD family member 3; plus strand). Cytogenetic location: 15q22.33.
Variant type: single nucleotide variant.
Coding change: c.543C>T on transcript NM_005902.4 (MANE Select); coding-DNA position 543, C replaced by T.
Protein change: p.Pro181=; no amino-acid change (proline 181 retained).
Molecular consequence: synonymous variant. On other transcripts: 5 prime UTR variant (1).
Genome position (GRCh38, 1-based): chr15:67,166,789, C>T. VCF-style: chr15-67166789-C-T. GRCh37 (hg19) VCF-style: chr15-67459127-C-T.
Other names: c.228C>T, p.Pro76= (NM_001145102.2); c.411C>T, p.Pro137= (NM_001145103.2); c.-43C>T (NM_001145104.2).
Identifiers: ClinVar variation 515065 (VCV000515065.1), dbSNP rs1026881356, ClinGen allele CA272378854.

ClinVar aggregate classification (germline): Likely benign (1 of 4 stars; one submission).

Allele frequency attached by ClinVar (database versions not stated): TOPMed below 0.00001.
gnomAD v4.1: 2 of 1,593,592 alleles (0.00013%); highest among the groups gnomAD compares: Non-Finnish European, 0.000086%; no homozygotes.

Submission:

GeneDx
Classification: Likely benign. Last evaluated: 2018-02-02. Review status: criteria provided, single submitter. Criteria: GeneDx Variant Classification (06012015). Collection method: clinical testing. Allele origin: germline. Affected: yes.
Comment: This variant is considered likely benign or benign based on one or more of the following criteria: it is a conservative change, it occurs at a poorly conserved position in the protein, it is predicted to be benign by multiple in silico algorithms, and/or has population frequency not consistent with disease.